The following is an entry in ClinVar:

NM_002860.4(ALDH18A1):c.2282A>G (p.Lys761Arg)

Gene: ALDH18A1 (aldehyde dehydrogenase 18 family member A1; minus strand). Cytogenetic location: 10q24.1.
Variant type: single nucleotide variant.
Coding change: c.2282A>G on transcript NM_002860.4 (MANE Select); coding-DNA position 2282, A replaced by G.
Protein change: p.Lys761Arg; replaces lysine 761 with arginine.
Molecular consequence: missense variant.
Genome position (GRCh38, 1-based): chr10:95,606,868, T>C on the plus strand (A>G on the coding strand, the complement: ALDH18A1 is on the minus strand). VCF-style: chr10-95606868-T-C. GRCh37 (hg19) VCF-style: chr10-97366625-T-C.
Other names: c.1949A>G, p.Lys650Arg (NM_001323416.2, NM_001323412.2); c.2177A>G, p.Lys726Arg (NM_001323417.2); c.1943A>G, p.Lys648Arg (NM_001323418.2); c.1646A>G, p.Lys549Arg (NM_001323419.2); c.2276A>G, p.Lys759Arg (NM_001017423.2, NM_001323415.2); c.2282A>G, p.Lys761Arg (NM_001323413.2, NM_001323414.2); short protein forms K549R, K726R, K759R, K648R, K650R, K761R.
Identifiers: ClinVar variation 4268577 (VCV004268577.2).
Genomic context (GRCh38, chr10:95,606,868, plus strand): 5'-TTTAAACTTCCATGCTCTGAGAAATCTGAGACCACGTGGTCCTTCCCTCGCAGCAGCCAC[T>C]TAGTAGTAAGCAGTCCCTCAAGTCCTACTGGTCCCCGGGCGTGGATTCTCGATGTACTGA-3'
Protein context (NP_002851.2, residues 751-771): PVGLEGLLTT[Lys761Arg]WLLRGKDHVV

ClinVar aggregate classification (germline): Uncertain significance. Review status: criteria provided, multiple submitters, no conflicts (2 of 4 stars). 2 submissions from 2 submitters: Uncertain significance (2). Last evaluated 2025-09-19.

Conditions:
Inborn genetic diseases. Identifiers: MedGen C0950123, MeSH D030342.
ALDH18A1-related disorder. Also called: ALDH18A1-related disorders.

gnomAD v4.1: 2 of 1,614,190 alleles (0.00012%); highest among the groups gnomAD compares: Non-Finnish European, 0.00017%; no homozygotes.

Submissions (2):

PreventionGenetics, part of Exact Sciences
Classification: Uncertain significance for ALDH18A1-related condition. Last evaluated: 2025-09-19. Review status: criteria provided, single submitter. Criteria: ACMG Guidelines, 2015. Collection method: clinical testing. Allele origin: germline.
Comment: The ALDH18A1 c.2282A>G variant is predicted to result in the amino acid substitution p.Lys761Arg. To our knowledge, this variant has not been reported in the literature or in a large population database (gnomAD), indicating this variant is rare. At this time, the clinical significance of this variant is uncertain due to the absence of conclusive functional and genetic evidence.

Ambry Genetics
Classification: Uncertain significance for Inborn genetic diseases. Last evaluated: 2025-07-15. Review status: criteria provided, single submitter. Criteria: Ambry Variant Classification Scheme 2023. Collection method: clinical testing. Allele origin: germline.